The following is an entry in ClinVar:

ClinVar aggregate classification (germline): Uncertain significance (1 of 4 stars; one submission).

Conditions:
Epileptic encephalopathy. Identifiers: MedGen C0543888, HP:0200134.

Allele frequency attached by ClinVar (database versions not stated): gnomAD exomes below 0.00001; TOPMed below 0.00001; ExAC 0.00002.
gnomAD v4.1: 14 of 1,603,180 alleles (0.00087%); highest among the groups gnomAD compares: South Asian, 0.0034%; no homozygotes.

Submission:

Labcorp Genetics (formerly Invitae), Labcorp
Classification: Uncertain significance for Epileptic encephalopathy. Last evaluated: 2021-12-15. Review status: criteria provided, single submitter. Criteria: Invitae Variant Classification Sherloc (09022015). Collection method: clinical testing. Allele origin: germline.
Comment: This sequence change replaces serine, which is neutral and polar, with leucine, which is neutral and non-polar, at codon 1550 of the FASN protein (p.Ser1550Leu). The frequency data for this variant in the population databases is considered unreliable, as metrics indicate poor data quality at this position in the gnomAD database. This variant has not been reported in the literature in individuals affected with FASN-related conditions. ClinVar contains an entry for this variant (Variation ID: 949629). Algorithms developed to predict the effect of missense changes on protein structure and function are either unavailable or do not agree on the potential impact of this missense change (SIFT: "Deleterious"; PolyPhen-2: "Benign"; Align-GVGD: "Class C15"). In summary, the available evidence is currently insufficient to determine the role of this variant in disease. Therefore, it has been classified as a Variant of Uncertain Significance.

NM_004104.5(FASN):c.4649C>T (p.Ser1550Leu)

Gene: FASN (fatty acid synthase; minus strand). Cytogenetic location: 17q25.3.
Variant type: single nucleotide variant.
Coding change: c.4649C>T on transcript NM_004104.5 (MANE Select); coding-DNA position 4649, C replaced by T.
Protein change: p.Ser1550Leu; replaces serine 1550 with leucine.
Molecular consequence: missense variant.
Genome position (GRCh38, 1-based): chr17:82,084,632, G>A on the plus strand (C>T on the coding strand, the complement: FASN is on the minus strand). VCF-style: chr17-82084632-G-A. GRCh37 (hg19) VCF-style: chr17-80042508-G-A.
Other names: short protein forms S1550L.
Identifiers: ClinVar variation 949629 (VCV000949629.5), dbSNP rs759056728, ClinGen allele CA8851985.